The following is an entry in ClinVar:

NM_000396.4(CTSK):c.436G>C (p.Gly146Arg)

Gene: CTSK (cathepsin K; minus strand). Cytogenetic location: 1q21.3.
Variant type: single nucleotide variant.
Coding change: c.436G>C on transcript NM_000396.4 (MANE Select); coding-DNA position 436, G replaced by C.
Protein change: p.Gly146Arg; replaces glycine 146 with arginine.
Molecular consequence: missense variant.
Genome position (GRCh38, 1-based): chr1:150,804,203, C>G on the plus strand (G>C on the coding strand, the complement: CTSK is on the minus strand). VCF-style: chr1-150804203-C-G. GRCh37 (hg19) VCF-style: chr1-150776679-C-G.
Other names: short protein forms G146R.
Identifiers: ClinVar variation 8421 (VCV000008421.26), dbSNP rs74315302, ClinGen allele CA119608.
Genomic context (GRCh38, chr1:150,804,203, plus strand): 5'-TCTGGGGACTCAGATTTAAGAGTTTGCCAGTTTTCTTCTTGAGTTGGCCCTCCAGGGCAC[C>G]CACAGAGCTAAAAGCCCAACAGGAACCACACTGACCCTGAAAGGCATACAGAGAAACTAT-3'
Protein context (NP_000387.1, residues 136-156): CGSCWAFSSV[Gly146Arg]ALEGQLKKKT

ClinVar aggregate classification (germline): Pathogenic/Likely pathogenic. Review status: criteria provided, multiple submitters, no conflicts (2 of 4 stars). 13 submissions from 13 submitters: Pathogenic (11); Likely pathogenic (1). 1 of the submissions does not count toward it. Last evaluated 2026-03-10.

Conditions:
CTSK-related disorder. Also called: CTSK-related condition.
Inborn genetic diseases. Identifiers: MedGen C0950123, MeSH D030342.
Pyknodysostosis. Also called: Pycnodysostosis. Identifiers: Orphanet 763, MedGen C0238402, MONDO:0009940, OMIM 265800.

Allele frequency attached by ClinVar (database versions not stated): TOPMed 0.00001; gnomAD exomes 0.00002 and 0.00001; gnomAD 0.00001.
gnomAD v4.1: 21 of 1,614,016 alleles (0.0013%); highest among the groups gnomAD compares: Admixed American, 0.012%; no homozygotes.

Submissions (13):

Clinical Biomedical Laboratory, Shriners Hospital For Children - Canada
Classification: Likely pathogenic for Pyknodysostosis. Last evaluated: 2026-03-10. Review status: criteria provided, single submitter. Criteria: ACMG Guidelines, 2015. Collection method: clinical testing. Allele origin: germline. Affected: yes.
Comment: This variant is very rare in the Genome Aggregation Database v.2.1.1. Experimental studies have shown that this missense change affects CTSK function (PMID: 10074491). Based on the ACMG variant interpretation guidelines, the available evidence supports classification of this variant as likely pathogenic.

Labcorp Genetics (formerly Invitae), Labcorp
Classification: Pathogenic. Last evaluated: 2025-12-15. Review status: criteria provided, single submitter. Criteria: Invitae Variant Classification Sherloc (09022015). Collection method: clinical testing. Allele origin: germline.
Comment: This sequence change replaces glycine, which is neutral and non-polar, with arginine, which is basic and polar, at codon 146 of the CTSK protein (p.Gly146Arg). This variant is present in population databases (rs74315302, gnomAD 0.01%). This missense change has been observed in individuals with pycnodysostosis (PMID: 8703060, 20044043, 27558267). It has also been observed to segregate with disease in related individuals. ClinVar contains an entry for this variant (Variation ID: 8421). Invitae Evidence Modeling of protein sequence and biophysical properties (such as structural, functional, and spatial information, amino acid conservation, physicochemical variation, residue mobility, and thermodynamic stability) indicates that this missense variant is expected to disrupt CTSK protein function with a positive predictive value of 80%. Experimental studies have shown that this missense change affects CTSK function (PMID: 10074491). For these reasons, this variant has been classified as Pathogenic.

Dasa
Classification: Pathogenic. Last evaluated: 2025-11-19. Review status: criteria provided, single submitter. Criteria: DASA Assertion Criteria. Collection method: clinical testing. Allele origin: germline.
Comment: NM_000396.4(CTSK):c.436G>C (p.Gly146Arg) is a missense variant that results in the substitution of glycine with arginine. The affected residue or protein region has prior evidence supporting clinical relevance. This variant has been observed in affected individuals with related phenotype in a genotype context consistent with recessive disease (PMID: 8703060; PMID: 20044043; PMID: 20814951; PMID: 10074491; PMID: 21569238). Functional evidence supports a deleterious effect on the gene or gene product (PMID: 8703060; PMID: 20044043; PMID: 20814951; PMID: 10074491; PMID: 21569238). This variant has been recurrently observed in individuals with related phenotype (PMID: 8703060; PMID: 20044043; PMID: 20814951; PMID: 10074491; PMID: 21569238). Multiple computational predictions support a deleterious effect on the gene or gene product. The variant is present at low frequency in population datasets. Based on the available data, this variant is classified as pathogenic.

3billion
Classification: Pathogenic for Pyknodysostosis. Last evaluated: 2025-10-20. Review status: criteria provided, single submitter. Criteria: ACMG Guidelines, 2015. Collection method: clinical testing. Allele origin: germline. Affected: yes.
Comment: The variant is observed at an extremely low frequency in the gnomAD v4.1.0 dataset (total allele frequency: 0.001%). Predicted Consequence/Location: Missense variant In silico tool predictions suggest damaging effect of the variant on gene or gene product [REVEL: 0.99 (>=0.6, sensitivity 0.68 and specificity 0.92)]. The same nucleotide change resulting in the same amino acid change has been previously reported as pathogenic/likely pathogenic with strong evidence (ClinVar ID: VCV000008421 /PMID: 8703060). The variant has been observed in multiple (>3) similarly affected unrelated individuals (PMID: 29796728, 32883051). A different missense change at the same codon (p.Gly146Ala) has been reported to be associated with CTSK-related disorder (ClinVar ID: VCV001521355). Therefore, this variant is classified as Pathogenic according to the recommendation of ACMG/AMP guideline.

GeneDx
Classification: Pathogenic. Last evaluated: 2025-05-25. Review status: criteria provided, single submitter. Criteria: GeneDx Variant Classification Process June 2021. Collection method: clinical testing. Allele origin: germline. Affected: yes.
Comment: In silico analysis supports that this missense variant has a deleterious effect on protein structure/function; This variant is associated with the following publications: (PMID: 31237352, 31680459, 31589614, 20357177, 17397052, 29796728, 27558267, 20814951, 37809147, 25451018, 23175007, 32883051, 27562807, 38838660, 24938251, 20044043, 34644002, 34680947, 10074491, 8703060)

Natera, Inc.
Classification: Pathogenic for Pyknodysostosis. Last evaluated: 2024-12-26. Review status: criteria provided, single submitter. Criteria: Natera Variant Classification Schema (03/2026). Collection method: clinical testing. Allele origin: germline.
Comment: The c.436G>C variant in CTSK is a missense variant predicted to cause substitution of glycine to arginine at amino acid 146. This variant is rare in the general population with a frequency below the threshold expected for the associated phenotype(s). This variant has been observed in one or more individuals affected with the associated recessive disease, as either homozygous or compound heterozygous with a second variant (PMID: 29796728, 20814951). Given the available evidence, this variant is classified as Pathogenic.

Women's Health and Genetics/Laboratory Corporation of America, LabCorp
Classification: Pathogenic for Pyknodysostosis. Last evaluated: 2024-10-17. Review status: criteria provided, single submitter. Criteria: LabCorp Variant Classification Summary - May 2015. Collection method: clinical testing. Allele origin: germline.
Comment: Variant summary: CTSK c.436G>C (p.Gly146Arg) results in a non-conservative amino acid change located in the Peptidase C1A, papain C-terminal domain of the encoded protein sequence. Five of five in-silico tools predict a damaging effect of the variant on protein function. The variant allele was found at a frequency of 2e-05 in 251370 control chromosomes. c.436G>C has been reported in the literature in multiple individuals affected with Pyknodysostosis (examples: Otaify_2018, Encarnacao_2020). These data indicate that the variant is very likely to be associated with disease. The following publications have been ascertained in the context of this evaluation (PMID: 32883051, 29796728). ClinVar contains an entry for this variant (Variation ID: 8421). Based on the evidence outlined above, the variant was classified as pathogenic.

Fulgent Genetics
Classification: Pathogenic for Pyknodysostosis. Last evaluated: 2024-03-28. Review status: criteria provided, single submitter. Criteria: ACMG Guidelines, 2015. Collection method: clinical testing. Allele origin: germline.

Genome-Nilou Lab
Classification: Pathogenic for Pyknodysostosis. Last evaluated: 2023-04-11. Review status: criteria provided, single submitter. Criteria: ACMG Guidelines, 2015. Collection method: clinical testing. Allele origin: germline. Affected: no.

Blueprint Genetics
Classification: Pathogenic for CTSK-related disorders. Last evaluated: 2018-05-16. Review status: criteria provided, single submitter. Criteria: ACMG Guidelines, 2015. Collection method: clinical testing. Allele origin: germline. Affected: yes. Observed: 1 variant allele.

Ambry Genetics
Classification: Pathogenic for Inborn genetic diseases. Last evaluated: 2017-09-23. Review status: criteria provided, single submitter. Criteria: Ambry exome assertion method (8-5-2015). Collection method: clinical testing. Allele origin: germline. Affected: yes. Observed: 2 variant alleles.

Clinical Genetics Service, Universitary Hospital 12 de Octubre
Classification: Pathogenic for Pyknodysostosis. Review status: criteria provided, single submitter. Criteria: ACMG Guidelines, 2015. Collection method: clinical testing. Allele origin: germline. Affected: yes.

OMIM
Classification: Pathogenic for PYCNODYSOSTOSIS. Last evaluated: 1996-08-30. Review status: no assertion criteria provided. Collection method: literature only. Allele origin: germline. Not counted in ClinVar's aggregate classification.

Literature cited by the submitters: PubMed 8703060 (cited by 6 submitters); PubMed 10074491 (cited by 4 submitters); PubMed 20044043 (cited by 3 submitters); PubMed 27558267 (cited by Labcorp Genetics (formerly Invitae), Labcorp and Ambry Genetics); PubMed 20814951 (cited by 3 submitters); PubMed 21569238 (cited by Dasa); PubMed 29796728 (cited by 4 submitters); PubMed 32883051 (cited by 3billion and Women's Health and Genetics/Laboratory Corporation of America, LabCorp); PubMed 9529353 (cited by Ambry Genetics); PubMed 17397052 (cited by Ambry Genetics).